The following is an entry in ClinVar:

NM_000179.3(MSH6):c.2240T>C (p.Leu747Pro)

Gene: MSH6 (mutS homolog 6; plus strand). Cytogenetic location: 2p16.3.
Variant type: single nucleotide variant.
Coding change: c.2240T>C on transcript NM_000179.3 (MANE Select); coding-DNA position 2240, T replaced by C.
Protein change: p.Leu747Pro; replaces leucine 747 with proline.
Molecular consequence: missense variant.
Genome position (GRCh38, 1-based): chr2:47,800,223, T>C. VCF-style: chr2-47800223-T-C. GRCh37 (hg19) VCF-style: chr2-48027362-T-C.
Other names: c.1943T>C, p.Leu648Pro (NM_001406827.1, NM_001406830.1, NM_001406828.1 and 10 more transcripts); c.1334T>C, p.Leu445Pro (NM_001406829.1, NM_001281493.2, NM_001281494.2 and 6 more transcripts); c.1850T>C, p.Leu617Pro (NM_001281492.2); c.2336T>C, p.Leu779Pro (NM_001406795.1, NM_001406802.1); c.2240T>C, p.Leu747Pro (NM_001406796.1, NM_001406798.1, NM_001406800.1 and 3 more transcripts); c.1715T>C, p.Leu572Pro (NM_001406799.1, NM_001406806.1, NM_001406807.1); c.2162T>C, p.Leu721Pro (NM_001406804.1); c.2246T>C, p.Leu749Pro (NM_001406813.1); and 1 more; short protein forms L648P, L721P, L779P, L445P, L572P, L617P, L691P, L749P.
Identifiers: ClinVar variation 1788278 (VCV001788278.3), dbSNP rs876660234, ClinGen allele CA346752593.

ClinVar aggregate classification (germline): Uncertain significance. Review status: criteria provided, multiple submitters, no conflicts (2 of 4 stars). 2 submissions from 2 submitters: Uncertain significance (2). Last evaluated 2024-01-15.

Conditions:
Hereditary cancer-predisposing syndrome. Also called: Neoplastic Syndromes, Hereditary; Tumor predisposition; Hereditary Cancer Syndrome; Hereditary neoplastic syndrome. Identifiers: Orphanet 140162, MedGen C0027672, MeSH D009386, MONDO:0015356.
Mismatch repair cancer syndrome 3. Identifiers: MedGen C5436807, MONDO:0030841, OMIM 619097.
Endometrial carcinoma. Also called: Endometrial carcinoma, somatic. Identifiers: MedGen C0476089, MONDO:0002447, OMIM 608089, HP:0012114.
Lynch syndrome 5 (LYNCH5). Also called: Colorectal cancer, hereditary nonpolyposis, type 5; Hereditary non-polyposis colorectal cancer, type 5. Identifiers: Orphanet 144, MedGen C1833477, MONDO:0013710, OMIM 614350. Disease mechanism: loss of function.

Submissions (2):

Fulgent Genetics
Classification: Uncertain significance for Endometrial carcinoma; Lynch syndrome 5; Mismatch repair cancer syndrome 3. Last evaluated: 2024-01-15. Review status: criteria provided, single submitter. Criteria: ACMG Guidelines, 2015. Collection method: clinical testing. Allele origin: germline.

Ambry Genetics
Classification: Uncertain significance for Hereditary cancer-predisposing syndrome. Last evaluated: 2021-03-09. Review status: criteria provided, single submitter. Criteria: Ambry Variant Classification Scheme 2023. Collection method: clinical testing. Allele origin: germline.
Comment: The p.L747P variant (also known as c.2240T>C), located in coding exon 4 of the MSH6 gene, results from a T to C substitution at nucleotide position 2240. The leucine at codon 747 is replaced by proline, an amino acid with similar properties. This amino acid position is not well conserved in available vertebrate species. In addition, the in silico prediction for this alteration is inconclusive. Since supporting evidence is limited at this time, the clinical significance of this alteration remains unclear.